The following is an entry in ClinVar:

ClinVar aggregate classification (germline): Uncertain significance (1 of 4 stars; one submission).

Conditions:
Dyskeratosis congenita, autosomal recessive 6 (DKCB6). Identifiers: MedGen C4225356, MONDO:0014600, OMIM 616353.
Pulmonary fibrosis and/or bone marrow failure, Telomere-related, 4. Also called: PULMONARY FIBROSIS AND/OR BONE MARROW FAILURE SYNDROME, TELOMERE-RELATED, 4. Identifiers: Orphanet 2032, MedGen C4225347, MONDO:0014612, OMIM 616371.

Allele frequency attached by ClinVar (database versions not stated): gnomAD exomes below 0.00001; gnomAD 0.00001; TOPMed 0.00001.
gnomAD v4.1: 3 of 1,536,144 alleles (0.0002%); highest among the groups gnomAD compares: Admixed American, 0.004%; no homozygotes.

Submission:

Labcorp Genetics (formerly Invitae), Labcorp
Classification: Uncertain significance for Dyskeratosis congenita, autosomal recessive 6; Pulmonary fibrosis and/or bone marrow failure, Telomere-related, 4. Last evaluated: 2023-11-07. Review status: criteria provided, single submitter. Criteria: Invitae Variant Classification Sherloc (09022015). Collection method: clinical testing. Allele origin: germline.
Comment: This sequence change replaces arginine, which is basic and polar, with glycine, which is neutral and non-polar, at codon 210 of the PARN protein (p.Arg210Gly). This variant is not present in population databases (gnomAD no frequency). This variant has not been reported in the literature in individuals affected with PARN-related conditions. Advanced modeling of protein sequence and biophysical properties (such as structural, functional, and spatial information, amino acid conservation, physicochemical variation, residue mobility, and thermodynamic stability) performed at Invitae indicates that this missense variant is expected to disrupt PARN protein function with a positive predictive value of 80%. In summary, the available evidence is currently insufficient to determine the role of this variant in disease. Therefore, it has been classified as a Variant of Uncertain Significance.

NM_002582.4(PARN):c.628A>G (p.Arg210Gly)

Gene: PARN (poly(A)-specific ribonuclease; minus strand). Cytogenetic location: 16p13.12.
Variant type: single nucleotide variant.
Coding change: c.628A>G on transcript NM_002582.4 (MANE Select); coding-DNA position 628, A replaced by G.
Protein change: p.Arg210Gly; replaces arginine 210 with glycine.
Molecular consequence: missense variant.
Genome position (GRCh38, 1-based): chr16:14,608,312, T>C on the plus strand (A>G on the coding strand, the complement: PARN is on the minus strand). VCF-style: chr16-14608312-T-C. GRCh37 (hg19) VCF-style: chr16-14702169-T-C.
Other names: c.445A>G, p.Arg149Gly (NM_001134477.3); c.490A>G, p.Arg164Gly (NM_001242992.2); short protein forms R210G, R149G, R164G.
Identifiers: ClinVar variation 2945786 (VCV002945786.3), dbSNP rs1971317575, ClinGen allele CA394808673.
Genomic context (GRCh38, chr16:14,608,312, plus strand): 5'-GAGCTGCTGCATACAATATAAATACTTACTTCCAGCTCAAAGTCTGATAAATTAGTTTTC[T>C]TTGGAACCTATAAAAACAAAAGAAAAGGTATTGATTTTGGCTCATTAGAAGTAAATCCAA-3'
Protein context (NP_002573.1, residues 200-220): LDLEPCTGFQ[Arg210Gly]KLIYQTLSWK